The following is an entry in ClinVar:

NM_000059.4(BRCA2):c.9418G>A (p.Ala3140Thr)

Gene: BRCA2 (BRCA2 DNA repair associated; plus strand). Cytogenetic location: 13q13.1.
Variant type: single nucleotide variant.
Coding change: c.9418G>A on transcript NM_000059.4 (MANE Select); coding-DNA position 9418, G replaced by A.
Protein change: p.Ala3140Thr; replaces alanine 3140 with threonine.
Molecular consequence: missense variant.
Genome position (GRCh38, 1-based): chr13:32,394,850, G>A. VCF-style: chr13-32394850-G-A. GRCh37 (hg19) VCF-style: chr13-32968987-G-A.
Other names: short protein forms A3140T.
Identifiers: ClinVar variation 580789 (VCV000580789.14), dbSNP rs786203511, ClinGen allele CA387761458.

ClinVar aggregate classification (germline): Conflicting classifications of pathogenicity. Review status: criteria provided, conflicting classifications (1 of 4 stars). 3 submissions from 3 submitters: Uncertain significance (2); Likely benign (1). Last evaluated 2025-09-05.

Conditions:
Hereditary breast ovarian cancer syndrome. Also called: Hereditary breast and ovarian cancer syndrome; Hereditary breast and ovarian cancer syndrome (HBOC); BRCA1- and BRCA2-Associated Hereditary Breast and Ovarian Cancer; Hereditary breast and/or ovarian cancer syndrome; Hereditary breast and ovarian cancer; Breast and ovarian cancer. Identifiers: Orphanet 145, MedGen C0677776, MeSH D061325, MONDO:0003582. Disease mechanism: loss of function.
Hereditary cancer-predisposing syndrome. Also called: Neoplastic Syndromes, Hereditary; Tumor predisposition; Hereditary neoplastic syndrome; Hereditary Cancer Syndrome. Identifiers: Orphanet 140162, MedGen C0027672, MeSH D009386, MONDO:0015356.

Submissions (3):

Ambry Genetics
Classification: Likely benign for Hereditary cancer-predisposing syndrome. Last evaluated: 2025-09-05. Review status: criteria provided, single submitter. Criteria: Ambry Variant Classification Scheme 2023. Collection method: clinical testing. Allele origin: germline.

Labcorp Genetics (formerly Invitae), Labcorp
Classification: Uncertain significance for Hereditary breast ovarian cancer syndrome. Last evaluated: 2024-08-08. Review status: criteria provided, single submitter. Criteria: Invitae Variant Classification Sherloc (09022015). Collection method: clinical testing. Allele origin: germline.
Comment: This sequence change replaces alanine, which is neutral and non-polar, with threonine, which is neutral and polar, at codon 3140 of the BRCA2 protein (p.Ala3140Thr). This variant is not present in population databases (gnomAD no frequency). This variant has not been reported in the literature in individuals affected with BRCA2-related conditions. ClinVar contains an entry for this variant (Variation ID: 580789). Advanced modeling of protein sequence and biophysical properties (such as structural, functional, and spatial information, amino acid conservation, physicochemical variation, residue mobility, and thermodynamic stability) performed at Invitae indicates that this missense variant is not expected to disrupt BRCA2 protein function with a negative predictive value of 95%. In summary, the available evidence is currently insufficient to determine the role of this variant in disease. Therefore, it has been classified as a Variant of Uncertain Significance.

Color Diagnostics, LLC DBA Color Health
Classification: Uncertain significance for Hereditary cancer-predisposing syndrome. Last evaluated: 2020-10-19. Review status: criteria provided, single submitter. Criteria: ACMG Guidelines, 2015. Collection method: clinical testing. Allele origin: germline.
Comment: This missense variant replaces alanine with threonine at codon 3140 of the BRCA2 protein. Computational prediction suggests that this variant may have deleterious impact on protein structure and function (internally defined REVEL score threshold >= 0.7, PMID: 27666373). To our knowledge, functional studies have not been reported for this variant. This variant has not been reported in individuals affected with hereditary cancer in the literature. This variant has not been identified in the general population by the Genome Aggregation Database (gnomAD). The available evidence is insufficient to determine the role of this variant in disease conclusively. Therefore, this variant is classified as a Variant of Uncertain Significance.

Literature cited by the submitters: PubMed 39779848 (cited by Ambry Genetics); PubMed 39779857 (cited by Ambry Genetics).